The following is an entry in ClinVar:

ClinVar aggregate classification (germline): Pathogenic (1 of 4 stars; one submission).

Conditions:
Duchenne muscular dystrophy (DMD). Also called: MUSCULAR DYSTROPHY, PSEUDOHYPERTROPHIC PROGRESSIVE, DUCHENNE TYPE; Duchenne Muscular Dystrophy (DMD). Identifiers: Orphanet 98896, MedGen C0013264, MONDO:0010679, OMIM 310200.

Submission:

Labcorp Genetics (formerly Invitae), Labcorp
Classification: Pathogenic for Duchenne muscular dystrophy. Last evaluated: 2022-10-25. Review status: criteria provided, single submitter. Criteria: Invitae Variant Classification Sherloc (09022015). Collection method: clinical testing. Allele origin: germline.
Comment: For these reasons, this variant has been classified as Pathogenic. A similar copy number variant has been observed in individual(s) with Duchenne muscular dystrophy (PMID: 12111668). This variant is a gross deletion of the genomic region encompassing exon(s) 20-29 of the DMD gene. This deletion is out-of-frame, and is expected to create a premature termination codon and result in an absent or disrupted protein product. Loss-of-function variants in DMD are known to be pathogenic (PMID: 16770791, 25007885).

Literature cited by the submitters: PubMed 12111668; PubMed 16770791; PubMed 25007885.

NC_000023.10:g.(?_32456338)_(32509655_?)del

Gene: DMD (dystrophin; minus strand). Cytogenetic location: Xp21.1.
Variant type: Deletion.
Identifiers: ClinVar variation 1069568 (VCV001069568.9).